The following is an entry in ClinVar:

NM_002439.5(MSH3):c.1723A>G (p.Lys575Glu)

Gene: MSH3 (mutS homolog 3; plus strand). Cytogenetic location: 5q14.1.
Variant type: single nucleotide variant.
Coding change: c.1723A>G on transcript NM_002439.5 (MANE Select); coding-DNA position 1723, A replaced by G.
Protein change: p.Lys575Glu; replaces lysine 575 with glutamic acid.
Molecular consequence: missense variant.
Genome position (GRCh38, 1-based): chr5:80,744,575, A>G. VCF-style: chr5-80744575-A-G. GRCh37 (hg19) VCF-style: chr5-80040394-A-G.
Other names: short protein forms K575E.
Identifiers: ClinVar variation 3398741 (VCV003398741.1).

ClinVar aggregate classification (germline): Uncertain significance (1 of 4 stars; one submission).

Conditions:
Hereditary cancer-predisposing syndrome. Also called: Hereditary Cancer Syndrome; Tumor predisposition; Hereditary neoplastic syndrome; Neoplastic Syndromes, Hereditary. Identifiers: Orphanet 140162, MedGen C0027672, MeSH D009386, MONDO:0015356.

Submission:

Ambry Genetics
Classification: Uncertain significance for Hereditary cancer-predisposing syndrome. Last evaluated: 2024-10-13. Review status: criteria provided, single submitter. Criteria: Ambry Variant Classification Scheme 2023. Collection method: clinical testing. Allele origin: germline.
Comment: The p.K575E variant (also known as c.1723A>G), located in coding exon 12 of the MSH3 gene, results from an A to G substitution at nucleotide position 1723. The lysine at codon 575 is replaced by glutamic acid, an amino acid with similar properties. This amino acid position is conserved. In addition, the in silico prediction for this alteration is inconclusive. Based on the available evidence, the clinical significance of this variant remains unclear.